The following is an entry in ClinVar:

NM_025114.4(CEP290):c.2240C>A (p.Thr747Asn)

Gene: CEP290 (centrosomal protein 290; minus strand). Cytogenetic location: 12q21.32.
Variant type: single nucleotide variant.
Coding change: c.2240C>A on transcript NM_025114.4 (MANE Select); coding-DNA position 2240, C replaced by A.
Protein change: p.Thr747Asn; replaces threonine 747 with asparagine.
Molecular consequence: missense variant.
Genome position (GRCh38, 1-based): chr12:88,111,329, G>T on the plus strand (C>A on the coding strand, the complement: CEP290 is on the minus strand). VCF-style: chr12-88111329-G-T. GRCh37 (hg19) VCF-style: chr12-88505106-G-T.
Other names: short protein forms T747N.
Identifiers: ClinVar variation 4782889 (VCV004782889.1).
Genomic context (GRCh38, chr12:88,111,329, plus strand): 5'-TCAGGTAAGTCAATTCCTTTAAAAACAACATTTGATCCTTCTGATTGTCGTAAAAGACTA[G>T]TTTCTTTTTCAAGATGGTCTATCTGGAAAAAAAAATCCAGCAATGAGAATCACAACTCTT-3'
Protein context (NP_079390.3, residues 737-757): NLKIDHLEKE[Thr747Asn]SLLRQSEGSN

ClinVar aggregate classification (germline): Uncertain significance (1 of 4 stars; one submission).

Conditions:
Meckel-Gruber syndrome. Also called: GRUBER SYNDROME; DYSENCEPHALIA SPLANCHNOCYSTICA; Dysencephalia splachnocystica. Identifiers: Orphanet 564, MedGen C0265215, MONDO:0018921.
Joubert syndrome. Also called: Familial aplasia of the vermis; JOUBERT-BOLTSHAUSER SYNDROME; CEREBELLOPARENCHYMAL DISORDER IV. Identifiers: Orphanet 475, MedGen C5979921, MONDO:0018772.
Nephronophthisis. Also called: Juvenile Nephronophthisis. Identifiers: Orphanet 655, MedGen C0687120, MONDO:0019005, HP:0000090.

Submission:

Labcorp Genetics (formerly Invitae), Labcorp
Classification: Uncertain significance for Joubert syndrome; Meckel-Gruber syndrome; Nephronophthisis. Last evaluated: 2025-09-20. Review status: criteria provided, single submitter. Criteria: Invitae Variant Classification Sherloc (09022015). Collection method: clinical testing. Allele origin: germline.
Comment: This sequence change replaces threonine, which is neutral and polar, with asparagine, which is neutral and polar, at codon 747 of the CEP290 protein (p.Thr747Asn). This variant is not present in population databases (gnomAD no frequency). This variant has not been reported in the literature in individuals affected with CEP290-related conditions. Invitae Evidence Modeling of protein sequence and biophysical properties (such as structural, functional, and spatial information, amino acid conservation, physicochemical variation, residue mobility, and thermodynamic stability) indicates that this missense variant is not expected to disrupt CEP290 protein function with a negative predictive value of 80%. In summary, the available evidence is currently insufficient to determine the role of this variant in disease. Therefore, it has been classified as a Variant of Uncertain Significance.